The following is an entry in ClinVar:

ClinVar aggregate classification (germline): Benign (0 of 4 stars; one submission).

Conditions:
DNAH17-related disorder. Also called: DNAH17-related condition.

Allele frequency attached by ClinVar (database versions not stated): gnomAD exomes 0.00124; ExAC 0.00407; gnomAD 0.01248; ESP Exome Variant Server 0.01396; TOPMed 0.01435; 1000 Genomes Project 0.01438; 1000 Genomes Project 30x 0.01562.
gnomAD v4.1: 3,773 of 1,613,894 alleles (0.23%); highest among the groups gnomAD compares: African/African-American, 4.4%; 77 homozygotes.

Submission:

PreventionGenetics, part of Exact Sciences
Classification: Benign for DNAH17-related condition. Last evaluated: 2020-01-28. Review status: no assertion criteria provided. Collection method: clinical testing. Allele origin: germline.
Comment: This variant is classified as benign based on ACMG/AMP sequence variant interpretation guidelines (Richards et al. 2015 PMID: 25741868, with internal and published modifications).

NM_173628.4(DNAH17):c.5037C>T (p.Tyr1679=)

Genes: DNAH17 (dynein axonemal heavy chain 17; minus strand), DNAH17-AS1 (DNAH17 antisense RNA 1; plus strand). Cytogenetic location: 17q25.3.
Variant type: single nucleotide variant.
Coding change: c.5037C>T on transcript NM_173628.4 (MANE Select); coding-DNA position 5037, C replaced by T.
Protein change: p.Tyr1679=; no amino-acid change (tyrosine 1679 retained).
Molecular consequence: synonymous variant. On other transcripts: non-coding transcript variant (1).
Genome position (GRCh38, 1-based): chr17:78,502,931, G>A on the plus strand (C>T on the coding strand, the complement: DNAH17 is on the minus strand). VCF-style: chr17-78502931-G-A. GRCh37 (hg19) VCF-style: chr17-76499013-G-A.
Identifiers: ClinVar variation 3034340 (VCV003034340.2), dbSNP rs61745252, ClinGen allele CA8803481.